The following is an entry in ClinVar:

NM_012281.3(KCND2):c.1115+4G>C

Gene: KCND2 (potassium voltage-gated channel subfamily D member 2; plus strand). Cytogenetic location: 7q31.31.
Variant type: single nucleotide variant.
Coding change: c.1115+4G>C on transcript NM_012281.3 (MANE Select); 4 bases into the intron after coding-DNA position 1115, G replaced by C.
Molecular consequence: intron variant.
Genome position (GRCh38, 1-based): chr7:120,275,751, G>C. VCF-style: chr7-120275751-G-C. GRCh37 (hg19) VCF-style: chr7-119915805-G-C.
Identifiers: ClinVar variation 4797037 (VCV004797037.1).

ClinVar aggregate classification (germline): Uncertain significance (1 of 4 stars; one submission).

Conditions:
Early Myoclonic Encephalopathy. Identifiers: MedGen C0270855.

Submission:

Labcorp Genetics (formerly Invitae), Labcorp
Classification: Uncertain significance for Early Myoclonic Encephalopathy. Last evaluated: 2025-12-09. Review status: criteria provided, single submitter. Criteria: Invitae Variant Classification Sherloc (09022015). Collection method: clinical testing. Allele origin: germline.
Comment: This sequence change falls in intron 1 of the KCND2 gene. It does not directly change the encoded amino acid sequence of the KCND2 protein. It affects a nucleotide within the consensus splice site. This variant is not present in population databases (gnomAD no frequency). This variant has not been reported in the literature in individuals affected with KCND2-related conditions. Variants that disrupt the consensus splice site are a relatively common cause of aberrant splicing (PMID: 17576681, 9536098). Algorithms developed to predict the effect of sequence changes on RNA splicing suggest that this variant is not likely to affect RNA splicing. In summary, the available evidence is currently insufficient to determine the role of this variant in disease. Therefore, it has been classified as a Variant of Uncertain Significance.

Literature cited by the submitters: PubMed 17576681; PubMed 9536098.